The following is an entry in ClinVar:

NM_206933.4(USH2A):c.2236C>G (p.Pro746Ala)

Gene: USH2A (usherin; minus strand). Cytogenetic location: 1q41.
Variant type: single nucleotide variant.
Coding change: c.2236C>G on transcript NM_206933.4 (MANE Select); coding-DNA position 2236, C replaced by G.
Protein change: p.Pro746Ala; replaces proline 746 with alanine.
Molecular consequence: missense variant.
Genome position (GRCh38, 1-based): chr1:216,247,158, G>C on the plus strand (C>G on the coding strand, the complement: USH2A is on the minus strand). VCF-style: chr1-216247158-G-C. GRCh37 (hg19) VCF-style: chr1-216420500-G-C.
Other names: c.2236C>G, p.Pro746Ala (NM_007123.6); short protein forms P746A.
Identifiers: ClinVar variation 1403318 (VCV001403318.7), dbSNP rs2036068018, ClinGen allele CA344865478.

ClinVar aggregate classification (germline): Uncertain significance. Review status: criteria provided, multiple submitters, no conflicts (2 of 4 stars). 2 submissions from 2 submitters: Uncertain significance (2). Last evaluated 2026-04-27.

Allele frequency attached by ClinVar (database versions not stated): gnomAD exomes below 0.00001.

Submissions (2):

Women's Health and Genetics/Laboratory Corporation of America, LabCorp
Classification: Uncertain significance. Last evaluated: 2026-04-27. Review status: criteria provided, single submitter. Criteria: LabCorp Variant Classification Summary - May 2015. Collection method: clinical testing. Allele origin: germline.
Comment: Variant summary: USH2A c.2236C>G (p.Pro746Ala) results in a non-conservative amino acid change in the encoded protein sequence. Algorithms developed to predict the effects of missense changes on protein structure and function are either unavailable or disagree on the potential impact of this missense change. The variant was absent in 250072 control chromosomes. The available data on variant occurrences in the general population are insufficient to allow any conclusion about variant significance. c.2236C>G has been observed in an individual affected with Usher Syndrome (e.g. Le Quesne Stabej_2012). These data do not allow any conclusion about the significance of the variant. To our knowledge, no experimental evidence demonstrating an impact on protein function has been reported. The following publications have been ascertained in the context of this evaluation (PMID: 22135276, 38219857, 36034145). ClinVar contains an entry for this variant (Variation ID: 1403318). Based on the evidence outlined above, the variant was classified as uncertain significance.

Labcorp Genetics (formerly Invitae), Labcorp
Classification: Uncertain significance. Last evaluated: 2022-07-06. Review status: criteria provided, single submitter. Criteria: Invitae Variant Classification Sherloc (09022015). Collection method: clinical testing. Allele origin: germline.
Comment: In summary, the available evidence is currently insufficient to determine the role of this variant in disease. Therefore, it has been classified as a Variant of Uncertain Significance. Algorithms developed to predict the effect of missense changes on protein structure and function are either unavailable or do not agree on the potential impact of this missense change (SIFT: "Deleterious"; PolyPhen-2: "Benign"; Align-GVGD: "Class C25"). ClinVar contains an entry for this variant (Variation ID: 1403318). This missense change has been observed in individual(s) with Usher syndrome (PMID: 22135276). In at least one individual the data is consistent with being in trans (on the opposite chromosome) from a pathogenic variant. This variant is not present in population databases (gnomAD no frequency). This sequence change replaces proline, which is neutral and non-polar, with alanine, which is neutral and non-polar, at codon 746 of the USH2A protein (p.Pro746Ala).

Literature cited by the submitters: PubMed 22135276 (cited by Women's Health and Genetics/Laboratory Corporation of America, LabCorp and Labcorp Genetics (formerly Invitae), Labcorp); PubMed 38219857 (cited by Women's Health and Genetics/Laboratory Corporation of America, LabCorp); PubMed 36034145 (cited by Women's Health and Genetics/Laboratory Corporation of America, LabCorp).